The following is an entry in ClinVar:

NM_000090.4(COL3A1):c.1106G>A (p.Gly369Glu)

Gene: COL3A1 (collagen type III alpha 1 chain; plus strand). Cytogenetic location: 2q32.2.
Variant type: single nucleotide variant.
Coding change: c.1106G>A on transcript NM_000090.4 (MANE Select); coding-DNA position 1106, G replaced by A.
Protein change: p.Gly369Glu; replaces glycine 369 with glutamic acid.
Molecular consequence: missense variant.
Genome position (GRCh38, 1-based): chr2:188,993,416, G>A. VCF-style: chr2-188993416-G-A. GRCh37 (hg19) VCF-style: chr2-189858142-G-A.
Other names: short protein forms G369E.
Identifiers: ClinVar variation 384345 (VCV000384345.2), dbSNP rs1057521930, ClinGen allele CA16603962.

ClinVar aggregate classification (germline): Pathogenic (1 of 4 stars; one submission).

Submission:

GeneDx
Classification: Pathogenic. Last evaluated: 2018-06-08. Review status: criteria provided, single submitter. Criteria: GeneDx Variant Classification (06012015). Collection method: clinical testing. Allele origin: germline. Affected: yes.
Comment: The G369E variant in the COL3A1 gene has been reported previously in one individual with vascular fragility and thin skin and a clinical diagnosis of vascular Ehlers-Danlos syndrome (Frank et al., 2015). The G369E variant was not observed in approximately 6500 individuals of European and African American ancestry in the NHLBI Exome Sequencing Project, indicating it is not a common benign variant in these populations. The G369E variant is a non-conservative amino acid substitution, which is likely to impact secondary protein structure as these residues differ in polarity, charge, size and/or other properties. This substitution occurs at a position that is conserved across species, affecting a Glycine residue of the triple-helical region containing Gly-X-Y repeats. In silico analysis predicts this variant is probably damaging to the protein structure/function. We interpret G369E as a pathogenic variant.